The following is an entry in ClinVar:

NM_001371986.1(UNC80):c.911C>T (p.Ser304Phe)

Gene: UNC80 (unc-80 homolog, NALCN channel complex subunit; plus strand). Cytogenetic location: 2q34.
Variant type: single nucleotide variant.
Coding change: c.911C>T on transcript NM_001371986.1 (MANE Select); coding-DNA position 911, C replaced by T.
Protein change: p.Ser304Phe; replaces serine 304 with phenylalanine.
Molecular consequence: missense variant.
Genome position (GRCh38, 1-based): chr2:209,793,832, C>T. VCF-style: chr2-209793832-C-T. GRCh37 (hg19) VCF-style: chr2-210658556-C-T.
Other names: c.911C>T, p.Ser304Phe (NM_032504.2, NM_182587.4); c.911C>T (NM_032504.1); short protein forms S304F.
Identifiers: ClinVar variation 1480018 (VCV001480018.4), dbSNP rs868686380, ClinGen allele CA64653856.

ClinVar aggregate classification (germline): Uncertain significance. Review status: criteria provided, multiple submitters, no conflicts (2 of 4 stars). 2 submissions from 2 submitters: Uncertain significance (2). Last evaluated 2022-05-07.

Conditions:
Inborn genetic diseases. Identifiers: MedGen C0950123, MeSH D030342.

Allele frequency attached by ClinVar (database versions not stated): gnomAD 0.00001; TOPMed 0.00002.
gnomAD v4.1: 12 of 1,613,984 alleles (0.00074%); highest among the groups gnomAD compares: Admixed American, 0.0017%; no homozygotes.

Submissions (2):

Labcorp Genetics (formerly Invitae), Labcorp
Classification: Uncertain significance. Last evaluated: 2022-05-07. Review status: criteria provided, single submitter. Criteria: Invitae Variant Classification Sherloc (09022015). Collection method: clinical testing. Allele origin: germline.
Comment: This sequence change replaces serine, which is neutral and polar, with phenylalanine, which is neutral and non-polar, at codon 304 of the UNC80 protein (p.Ser304Phe). This variant is not present in population databases (gnomAD no frequency). This variant has not been reported in the literature in individuals affected with UNC80-related conditions. Algorithms developed to predict the effect of missense changes on protein structure and function are either unavailable or do not agree on the potential impact of this missense change (SIFT: "Not Available"; PolyPhen-2: "Possibly Damaging"; Align-GVGD: "Not Available"). In summary, the available evidence is currently insufficient to determine the role of this variant in disease. Therefore, it has been classified as a Variant of Uncertain Significance.

Ambry Genetics
Classification: Uncertain significance for Inborn genetic diseases. Last evaluated: 2021-09-01. Review status: criteria provided, single submitter. Criteria: Ambry Variant Classification Scheme 2023. Collection method: clinical testing. Allele origin: germline.